The following is an entry in ClinVar:

NM_001024630.4(RUNX2):c.806C>A (p.Ser269Tyr)

Gene: RUNX2 (RUNX family transcription factor 2; plus strand). Cytogenetic location: 6p21.1.
Variant type: single nucleotide variant.
Coding change: c.806C>A on transcript NM_001024630.4 (MANE Select); coding-DNA position 806, C replaced by A.
Protein change: p.Ser269Tyr; replaces serine 269 with tyrosine.
Molecular consequence: missense variant.
Genome position (GRCh38, 1-based): chr6:45,492,061, C>A. VCF-style: chr6-45492061-C-A. GRCh37 (hg19) VCF-style: chr6-45459798-C-A.
Other names: c.806C>A, p.Ser269Tyr (NM_001015051.4); c.764C>A, p.Ser255Tyr (NM_001278478.2, NM_001369405.1, NM_004348.3); short protein forms S269Y, S255Y.
Identifiers: ClinVar variation 2121336 (VCV002121336.4), dbSNP rs1800495554, ClinGen allele CA363958384.

ClinVar aggregate classification (germline): Uncertain significance (1 of 4 stars; one submission).

Allele frequency attached by ClinVar (database versions not stated): TOPMed below 0.00001; gnomAD 0.00001.
gnomAD v4.1: 1 of 1,613,742 alleles (0.000062%); highest among the groups gnomAD compares: African/African-American, 0.0013%; no homozygotes.

Submission:

Labcorp Genetics (formerly Invitae), Labcorp
Classification: Uncertain significance. Last evaluated: 2024-08-12. Review status: criteria provided, single submitter. Criteria: Invitae Variant Classification Sherloc (09022015). Collection method: clinical testing. Allele origin: germline.
Comment: This sequence change replaces serine, which is neutral and polar, with tyrosine, which is neutral and polar, at codon 269 of the RUNX2 protein (p.Ser269Tyr). This variant is not present in population databases (gnomAD no frequency). This variant has not been reported in the literature in individuals affected with RUNX2-related conditions. ClinVar contains an entry for this variant (Variation ID: 2121336). Advanced modeling of protein sequence and biophysical properties (such as structural, functional, and spatial information, amino acid conservation, physicochemical variation, residue mobility, and thermodynamic stability) performed at Invitae indicates that this missense variant is not expected to disrupt RUNX2 protein function with a negative predictive value of 80%. In summary, the available evidence is currently insufficient to determine the role of this variant in disease. Therefore, it has been classified as a Variant of Uncertain Significance.